The following is an entry in ClinVar:

NM_002317.7(LOX):c.879-11T>A

Genes: LOX (lysyl oxidase; minus strand), SRFBP1 (serum response factor binding protein 1; plus strand). Cytogenetic location: 5q23.1.
Variant type: single nucleotide variant.
Coding change: c.879-11T>A on transcript NM_002317.7 (MANE Select); 11 bases into the intron before coding-DNA position 879, T replaced by A.
Molecular consequence: intron variant.
Genome position (GRCh38, 1-based): chr5:122,074,180, A>T on the plus strand (T>A on the coding strand, the complement: LOX is on the minus strand). VCF-style: chr5-122074180-A-T. GRCh37 (hg19) VCF-style: chr5-121409875-A-T.
Other names: c.189-11T>A (NM_001178102.2); c.-13-11T>A (NM_001317073.1).
Identifiers: ClinVar variation 3658881 (VCV003658881.2).

ClinVar aggregate classification (germline): Uncertain significance (1 of 4 stars; one submission).

Submission:

Labcorp Genetics (formerly Invitae), Labcorp
Classification: Uncertain significance. Last evaluated: 2024-07-06. Review status: criteria provided, single submitter. Criteria: Invitae Variant Classification Sherloc (09022015). Collection method: clinical testing. Allele origin: germline.
Comment: This sequence change falls in intron 3 of the LOX gene. It does not directly change the encoded amino acid sequence of the LOX protein. This variant is not present in population databases (gnomAD no frequency). This variant has not been reported in the literature in individuals affected with LOX-related conditions. Algorithms developed to predict the effect of sequence changes on RNA splicing suggest that this variant may disrupt the consensus splice site. In summary, the available evidence is currently insufficient to determine the role of this variant in disease. Therefore, it has been classified as a Variant of Uncertain Significance.